The following is an entry in ClinVar:

NM_012123.4(MTO1):c.377G>C (p.Arg126Thr)

Gene: MTO1 (mitochondrial tRNA translation optimization 1; plus strand). Cytogenetic location: 6q13.
Variant type: single nucleotide variant.
Coding change: c.377G>C on transcript NM_012123.4 (MANE Select); coding-DNA position 377, G replaced by C.
Protein change: p.Arg126Thr; replaces arginine 126 with threonine.
Molecular consequence: missense variant.
Genome position (GRCh38, 1-based): chr6:73,466,368, G>C. VCF-style: chr6-73466368-G-C. GRCh37 (hg19) VCF-style: chr6-74176091-G-C.
Other names: c.377G>C, p.Arg126Thr (NM_001123226.2, NM_133645.3); short protein forms R126T.
Identifiers: ClinVar variation 2058059 (VCV002058059.2), dbSNP rs752970932, ClinGen allele CA3889326.

ClinVar aggregate classification (germline): Uncertain significance (1 of 4 stars; one submission).

Conditions:
Mitochondrial hypertrophic cardiomyopathy with lactic acidosis due to MTO1 deficiency. Also called: Combined oxidative phosphorylation deficiency 10; CARDIOMYOPATHY, INFANTILE HYPERTROPHIC MITOCHONDRIAL, AND LACTIC ACIDOSIS. Identifiers: Orphanet 314637, MedGen C4749921, MONDO:0013865, OMIM 614702.

Allele frequency attached by ClinVar (database versions not stated): ExAC 0.00001; gnomAD 0.00001; TOPMed 0.00002.
gnomAD v4.1: 1 of 1,614,030 alleles (0.000062%); highest among the groups gnomAD compares: African/African-American, 0.0013%; no homozygotes.

Submission:

Labcorp Genetics (formerly Invitae), Labcorp
Classification: Uncertain significance for Mitochondrial hypertrophic cardiomyopathy with lactic acidosis due to MTO1 deficiency. Last evaluated: 2023-11-13. Review status: criteria provided, single submitter. Criteria: Invitae Variant Classification Sherloc (09022015). Collection method: clinical testing. Allele origin: germline.
Comment: This sequence change replaces arginine, which is basic and polar, with threonine, which is neutral and polar, at codon 126 of the MTO1 protein (p.Arg126Thr). This variant is present in population databases (rs752970932, gnomAD 0.007%). This variant has not been reported in the literature in individuals affected with MTO1-related conditions. ClinVar contains an entry for this variant (Variation ID: 2058059). Advanced modeling of protein sequence and biophysical properties (such as structural, functional, and spatial information, amino acid conservation, physicochemical variation, residue mobility, and thermodynamic stability) performed at Invitae indicates that this missense variant is expected to disrupt MTO1 protein function with a positive predictive value of 80%. In summary, the available evidence is currently insufficient to determine the role of this variant in disease. Therefore, it has been classified as a Variant of Uncertain Significance.